The following is an entry in ClinVar:

NM_001377.3(DYNC2H1):c.10826A>G (p.Lys3609Arg)

Gene: DYNC2H1 (dynein cytoplasmic 2 heavy chain 1; plus strand). Cytogenetic location: 11q22.3.
Variant type: single nucleotide variant.
Coding change: c.10826A>G on transcript NM_001377.3 (MANE Select); coding-DNA position 10826, A replaced by G.
Protein change: p.Lys3609Arg; replaces lysine 3609 with arginine.
Molecular consequence: missense variant.
Genome position (GRCh38, 1-based): chr11:103,283,021, A>G. VCF-style: chr11-103283021-A-G. GRCh37 (hg19) VCF-style: chr11-103153750-A-G.
Other names: c.10847A>G, p.Lys3616Arg (NM_001080463.2); short protein forms K3609R, K3616R.
Identifiers: ClinVar variation 1949688 (VCV001949688.2), dbSNP rs1024269196, ClinGen allele CA227420475.

ClinVar aggregate classification (germline): Uncertain significance (1 of 4 stars; one submission).

Conditions:
Jeune thoracic dystrophy. Also called: Jeune syndrome; Infantile thoracic dystrophy; Thoracic pelvic phalangeal dystrophy; Jeune's syndrome; Chondroectodermal dysplasia-like syndrome; Short-rib thoracic dysplasia. Identifiers: Orphanet 474, MedGen C0265275, MONDO:0018770.

Allele frequency attached by ClinVar (database versions not stated): TOPMed below 0.00001.

Submission:

Labcorp Genetics (formerly Invitae), Labcorp
Classification: Uncertain significance for Jeune thoracic dystrophy. Last evaluated: 2022-01-11. Review status: criteria provided, single submitter. Criteria: Invitae Variant Classification Sherloc (09022015). Collection method: clinical testing. Allele origin: germline.
Comment: This sequence change replaces lysine, which is basic and polar, with arginine, which is basic and polar, at codon 3616 of the DYNC2H1 protein (p.Lys3616Arg). This variant is not present in population databases (gnomAD no frequency). This variant has not been reported in the literature in individuals affected with DYNC2H1-related conditions. Advanced modeling of protein sequence and biophysical properties (such as structural, functional, and spatial information, amino acid conservation, physicochemical variation, residue mobility, and thermodynamic stability) performed at Invitae indicates that this missense variant is not expected to disrupt DYNC2H1 protein function. In summary, the available evidence is currently insufficient to determine the role of this variant in disease. Therefore, it has been classified as a Variant of Uncertain Significance.